The following is an entry in ClinVar:

ClinVar aggregate classification (germline): Uncertain significance. Review status: criteria provided, multiple submitters, no conflicts (2 of 4 stars). 2 submissions from 2 submitters: Uncertain significance (2). Last evaluated 2025-08-26.

Conditions:
Hereditary cancer-predisposing syndrome. Also called: Neoplastic Syndromes, Hereditary; Tumor predisposition; Hereditary Cancer Syndrome; Hereditary neoplastic syndrome. Identifiers: Orphanet 140162, MedGen C0027672, MeSH D009386, MONDO:0015356.
Hereditary pheochromocytoma and paraganglioma. Also called: Hereditary paragangliomas and pheochromocytomas; Hereditary Paraganglioma-Pheochromocytoma Syndromes; Hereditary pheochromocytoma-paraganglioma. Identifiers: Orphanet 29072, MedGen C4274332, MONDO:0017366.

Allele frequency attached by ClinVar (database versions not stated): ExAC 0.00001; gnomAD exomes 0.00001.
gnomAD v4.1: 7 of 1,608,274 alleles (0.00044%); highest among the groups gnomAD compares: South Asian, 0.0066%; no homozygotes.

Submissions (2):

Ambry Genetics
Classification: Uncertain significance for Hereditary cancer-predisposing syndrome. Last evaluated: 2025-08-26. Review status: criteria provided, single submitter. Criteria: Ambry Variant Classification Scheme 2023. Collection method: clinical testing. Allele origin: germline.

Labcorp Genetics (formerly Invitae), Labcorp
Classification: Uncertain significance for Hereditary pheochromocytoma and paraganglioma. Last evaluated: 2023-12-01. Review status: criteria provided, single submitter. Criteria: Invitae Variant Classification Sherloc (09022015). Collection method: clinical testing. Allele origin: germline.
Comment: This sequence change replaces proline, which is neutral and non-polar, with threonine, which is neutral and polar, at codon 16 of the MAX protein (p.Pro16Thr). This variant is present in population databases (rs751344230, gnomAD 0.02%). This variant has not been reported in the literature in individuals affected with MAX-related conditions. An algorithm developed to predict the effect of missense changes on protein structure and function (PolyPhen-2) suggests that this variant is likely to be tolerated. In summary, the available evidence is currently insufficient to determine the role of this variant in disease. Therefore, it has been classified as a Variant of Uncertain Significance.

NM_002382.5(MAX):c.46C>A (p.Pro16Thr)

Gene: MAX (MYC associated transcriptional regulator X; minus strand). Cytogenetic location: 14q23.3.
Variant type: single nucleotide variant.
Coding change: c.46C>A on transcript NM_002382.5 (MANE Select); coding-DNA position 46, C replaced by A.
Protein change: p.Pro16Thr; replaces proline 16 with threonine.
Molecular consequence: missense variant. On other transcripts: 5 prime UTR variant (4), non-coding transcript variant (7), intron variant (14).
Genome position (GRCh38, 1-based): chr14:65,101,563, G>T on the plus strand (C>A on the coding strand, the complement: MAX is on the minus strand). VCF-style: chr14-65101563-G-T. GRCh37 (hg19) VCF-style: chr14-65568281-G-T.
Other names: c.-229C>A (NM_001320415.2, NM_001407105.1, NM_001407106.1); c.46C>A, p.Pro16Thr (NM_001407094.1, NM_001407096.1, NM_001407097.1 and 6 more transcripts); c.-322C>A (NM_001407111.1); c.69C>A, p.Asn23Lys (NM_001407114.1); c.36+741C>A (NM_001271069.2, NM_001407095.1, NM_001407110.1 and 9 more transcripts); c.-305+946C>A (NM_001407112.1); c.-212+741C>A (NM_001407107.1); short protein forms N23K, P16T.
Identifiers: ClinVar variation 2870124 (VCV002870124.5), dbSNP rs751344230, ClinGen allele CA7232996.